The following is an entry in ClinVar:

NM_006922.4(SCN3A):c.726G>T (p.Gln242His)

Gene: SCN3A (sodium voltage-gated channel alpha subunit 3; minus strand). Cytogenetic location: 2q24.3.
Variant type: single nucleotide variant.
Coding change: c.726G>T on transcript NM_006922.4 (MANE Select); coding-DNA position 726, G replaced by T.
Protein change: p.Gln242His; replaces glutamine 242 with histidine.
Molecular consequence: missense variant.
Genome position (GRCh38, 1-based): chr2:165,162,797, C>A on the plus strand (G>T on the coding strand, the complement: SCN3A is on the minus strand). VCF-style: chr2-165162797-C-A. GRCh37 (hg19) VCF-style: chr2-166019307-C-A.
Other names: c.726G>T, p.Gln242His (NM_001081676.2, NM_001081677.2); short protein forms Q242H.
Identifiers: ClinVar variation 2662167 (VCV002662167.1), dbSNP rs2468478573, ClinGen allele CA349239385.
Genomic context (GRCh38, chr2:165,162,797, plus strand): 5'-AGCAAACACGCTCAGACAGAACACAGTCAGGATCATCACATCAGAAAGCTTCTTTACCGA[C>A]TGGATCAGGGCCCCCACAATGGTCTTTAAACCTGCAGAGAGAGAACTATAGGTTACCTGA-3'
Protein context (NP_008853.3, residues 232-252): GLKTIVGALI[Gln242His]SVKKLSDVMI

ClinVar aggregate classification (germline): Uncertain significance (1 of 4 stars; one submission).

Submission:

GeneDx
Classification: Uncertain significance. Last evaluated: 2023-04-17. Review status: criteria provided, single submitter. Criteria: GeneDx Variant Classification Process June 2021. Collection method: clinical testing. Allele origin: germline. Affected: yes.
Comment: Not observed at significant frequency in large population cohorts (gnomAD); In silico analysis supports that this missense variant has a deleterious effect on protein structure/function; Has not been previously published as pathogenic or benign to our knowledge